The following is an entry in ClinVar:

ClinVar aggregate classification (germline): Uncertain significance (1 of 4 stars; one submission).

Conditions:
Nephronophthisis. Also called: Juvenile Nephronophthisis. Identifiers: Orphanet 655, MedGen C0687120, MONDO:0019005, HP:0000090.

Submission:

Labcorp Genetics (formerly Invitae), Labcorp
Classification: Uncertain significance for Nephronophthisis. Last evaluated: 2021-11-01. Review status: criteria provided, single submitter. Criteria: Invitae Variant Classification Sherloc (09022015). Collection method: clinical testing. Allele origin: germline.
Comment: This sequence change replaces serine, which is neutral and polar, with phenylalanine, which is neutral and non-polar, at codon 432 of the NPHP4 protein (p.Ser432Phe). This variant is not present in population databases (gnomAD no frequency). This variant has not been reported in the literature in individuals affected with NPHP4-related conditions. Algorithms developed to predict the effect of missense changes on protein structure and function are either unavailable or do not agree on the potential impact of this missense change (SIFT: "Tolerated"; PolyPhen-2: "Possibly Damaging"; Align-GVGD: "Class C0"). In summary, the available evidence is currently insufficient to determine the role of this variant in disease. Therefore, it has been classified as a Variant of Uncertain Significance.

NM_015102.5(NPHP4):c.1295C>T (p.Ser432Phe)

Gene: NPHP4 (nephrocystin 4; minus strand). Cytogenetic location: 1p36.31.
Variant type: single nucleotide variant.
Coding change: c.1295C>T on transcript NM_015102.5 (MANE Select); coding-DNA position 1295, C replaced by T.
Protein change: p.Ser432Phe; replaces serine 432 with phenylalanine.
Molecular consequence: missense variant. On other transcripts: 5 prime UTR variant (2), non-coding transcript variant (1).
Genome position (GRCh38, 1-based): chr1:5,933,154, G>A on the plus strand (C>T on the coding strand, the complement: NPHP4 is on the minus strand). VCF-style: chr1-5933154-G-A. GRCh37 (hg19) VCF-style: chr1-5993214-G-A.
Other names: c.-72C>T (NM_001291593.2, NM_001291594.2); short protein forms S432F.
Identifiers: ClinVar variation 1424077 (VCV001424077.6), dbSNP rs2101743191, ClinGen allele CA338060807.
Genomic context (GRCh38, chr1:5,933,154, plus strand): 5'-ATGAACTTGCTAGAAGCTCACCGGAGATGCATAAGAAATACCTAATAATTTACCTCTTCA[G>A]AGCTCATGCTGGCTGAGGGTACCTTGTAGACCAGACAGTGCGAGGGGTTGGGCTGGATCC-3'
Protein context (NP_055917.1, residues 422-442): VYKVPSASMS[Ser432Phe]EEVKQVESGT